The following is an entry in ClinVar:

ClinVar aggregate classification (germline): Uncertain significance (1 of 4 stars; one submission).

Conditions:
Xeroderma pigmentosum, group F (XPF). Also called: ERCC4-Related Xeroderma Pigmentosum; XERODERMA PIGMENTOSUM, COMPLEMENTATION GROUP F; XERODERMA PIGMENTOSUM VI; XP, GROUP F; XERODERMA PIGMENTOSUM, TYPE F; Xeroderma pigmentosum, type 6. Identifiers: MedGen C0268140, MONDO:0010215, OMIM 278760.
Fanconi anemia complementation group Q. Identifiers: Orphanet 84, MedGen C3808988, MONDO:0014108, OMIM 615272.
Cockayne syndrome. Identifiers: Orphanet 191, MedGen C0009207, MONDO:0016006.

Allele frequency attached by ClinVar (database versions not stated): gnomAD exomes below 0.00001.
gnomAD v4.1: 1 of 1,613,786 alleles (0.000062%); highest among the groups gnomAD compares: Non-Finnish European, 0.000085%; no homozygotes.

Submission:

Labcorp Genetics (formerly Invitae), Labcorp
Classification: Uncertain significance for Fanconi anemia complementation group Q; Xeroderma pigmentosum, group F; Cockayne syndrome. Last evaluated: 2023-07-31. Review status: criteria provided, single submitter. Criteria: Invitae Variant Classification Sherloc (09022015). Collection method: clinical testing. Allele origin: germline.
Comment: Advanced modeling of protein sequence and biophysical properties (such as structural, functional, and spatial information, amino acid conservation, physicochemical variation, residue mobility, and thermodynamic stability) performed at Invitae indicates that this missense variant is not expected to disrupt ERCC4 protein function. This sequence change replaces asparagine, which is neutral and polar, with histidine, which is basic and polar, at codon 244 of the ERCC4 protein (p.Asn244His). This variant is not present in population databases (gnomAD no frequency). This variant has not been reported in the literature in individuals affected with ERCC4-related conditions. In summary, the available evidence is currently insufficient to determine the role of this variant in disease. Therefore, it has been classified as a Variant of Uncertain Significance.

NM_005236.3(ERCC4):c.730A>C (p.Asn244His)

Gene: ERCC4 (ERCC excision repair 4, endonuclease catalytic subunit; plus strand). Cytogenetic location: 16p13.12.
Variant type: single nucleotide variant.
Coding change: c.730A>C on transcript NM_005236.3 (MANE Select); coding-DNA position 730, A replaced by C.
Protein change: p.Asn244His; replaces asparagine 244 with histidine.
Molecular consequence: missense variant.
Genome position (GRCh38, 1-based): chr16:13,928,173, A>C. VCF-style: chr16-13928173-A-C. GRCh37 (hg19) VCF-style: chr16-14022030-A-C.
Other names: short protein forms N244H.
Identifiers: ClinVar variation 2926133 (VCV002926133.3), dbSNP rs201176880, ClinGen allele CA278464429.